The following is an entry in ClinVar:

NM_000551.4(VHL):c.38T>A (p.Val13Glu)

Gene: VHL (von Hippel-Lindau tumor suppressor; plus strand). Cytogenetic location: 3p25.3.
Variant type: single nucleotide variant.
Coding change: c.38T>A on transcript NM_000551.4 (MANE Select); coding-DNA position 38, T replaced by A.
Protein change: p.Val13Glu; replaces valine 13 with glutamic acid.
Molecular consequence: missense variant. On other transcripts: non-coding transcript variant (1).
Genome position (GRCh38, 1-based): chr3:10,141,885, T>A. VCF-style: chr3-10141885-T-A. GRCh37 (hg19) VCF-style: chr3-10183569-T-A.
Other names: c.38T>A, p.Val13Glu (NM_001354723.2, NM_198156.3); short protein forms V13E.
Identifiers: ClinVar variation 3752642 (VCV003752642.2).

ClinVar aggregate classification (germline): Uncertain significance (1 of 4 stars; one submission).

Conditions:
Chuvash polycythemia. Also called: POLYCYTHEMIA, VHL-DEPENDENT. Identifiers: Orphanet 238557, MedGen C1837915, MONDO:0009892, OMIM 263400.
Von Hippel-Lindau syndrome (VHLS). Also called: VHL syndrome; von Hippel–Lindau syndrome; Von Hippel-Lindau. Identifiers: Orphanet 892, MedGen C0019562, MONDO:0008667, OMIM 193300. Disease mechanism: loss of function.

Submission:

Labcorp Genetics (formerly Invitae), Labcorp
Classification: Uncertain significance for Von Hippel-Lindau syndrome; Chuvash polycythemia. Last evaluated: 2024-12-23. Review status: criteria provided, single submitter. Criteria: Invitae Variant Classification Sherloc (09022015). Collection method: clinical testing. Allele origin: germline.
Comment: This sequence change replaces valine, which is neutral and non-polar, with glutamic acid, which is acidic and polar, at codon 13 of the VHL protein (p.Val13Glu). This variant is not present in population databases (gnomAD no frequency). This variant has not been reported in the literature in individuals affected with VHL-related conditions. Invitae Evidence Modeling of protein sequence and biophysical properties (such as structural, functional, and spatial information, amino acid conservation, physicochemical variation, residue mobility, and thermodynamic stability) indicates that this missense variant is not expected to disrupt VHL protein function with a negative predictive value of 95%. In summary, the available evidence is currently insufficient to determine the role of this variant in disease. Therefore, it has been classified as a Variant of Uncertain Significance.